The following is an entry in ClinVar:

NM_003931.3(WASF1):c.1436T>C (p.Ile479Thr)

Gene: WASF1 (WASP family member 1; minus strand). Cytogenetic location: 6q21.
Variant type: single nucleotide variant.
Coding change: c.1436T>C on transcript NM_003931.3 (MANE Select); coding-DNA position 1436, T replaced by C.
Protein change: p.Ile479Thr; replaces isoleucine 479 with threonine.
Molecular consequence: missense variant.
Genome position (GRCh38, 1-based): chr6:110,101,674, A>G on the plus strand (T>C on the coding strand, the complement: WASF1 is on the minus strand). VCF-style: chr6-110101674-A-G. GRCh37 (hg19) VCF-style: chr6-110422877-A-G.
Other names: c.1436T>C, p.Ile479Thr (NM_001024934.2, NM_001024935.2, NM_001024936.2); short protein forms I479T.
Identifiers: ClinVar variation 2112622 (VCV002112622.4), dbSNP rs1562159641, ClinGen allele CA365347396.

ClinVar aggregate classification (germline): Uncertain significance (1 of 4 stars; one submission).

Allele frequency attached by ClinVar (database versions not stated): gnomAD exomes below 0.00001.
gnomAD v4.1: 2 of 1,614,076 alleles (0.00012%); highest among the groups gnomAD compares: African/African-American, 0.0013%; no homozygotes.

Submission:

Labcorp Genetics (formerly Invitae), Labcorp
Classification: Uncertain significance. Last evaluated: 2024-10-23. Review status: criteria provided, single submitter. Criteria: Invitae Variant Classification Sherloc (09022015). Collection method: clinical testing. Allele origin: germline.
Comment: This sequence change replaces isoleucine, which is neutral and non-polar, with threonine, which is neutral and polar, at codon 479 of the WASF1 protein (p.Ile479Thr). This variant is not present in population databases (gnomAD no frequency). This variant has not been reported in the literature in individuals affected with WASF1-related conditions. ClinVar contains an entry for this variant (Variation ID: 2112622). An algorithm developed to predict the effect of missense changes on protein structure and function outputs the following: PolyPhen-2: "Benign". The threonine amino acid residue is found in multiple mammalian species, which suggests that this missense change does not adversely affect protein function. In summary, the available evidence is currently insufficient to determine the role of this variant in disease. Therefore, it has been classified as a Variant of Uncertain Significance.